The following is an entry in ClinVar:

NM_001040142.2(SCN2A):c.3850-13T>C

Gene: SCN2A (sodium voltage-gated channel alpha subunit 2; plus strand). Cytogenetic location: 2q24.3.
Variant type: single nucleotide variant.
Coding change: c.3850-13T>C on transcript NM_001040142.2 (MANE Select); 13 bases into the intron before coding-DNA position 3850, T replaced by C.
Molecular consequence: intron variant.
Genome position (GRCh38, 1-based): chr2:165,373,212, T>C. VCF-style: chr2-165373212-T-C. GRCh37 (hg19) VCF-style: chr2-166229722-T-C.
Other names: c.3850-13T>C (NM_001040143.2, NM_001371246.1, NM_001371247.1 and 1 more transcripts).
Identifiers: ClinVar variation 2682464 (VCV002682464.1), dbSNP rs989868103, ClinGen allele CA59736570.
Genomic context (GRCh38, chr2:165,373,212, plus strand): 5'-GCATAGAGCAAGGCTGAACTGTGTAGACATTTTTATATGTAAATAAGAAAATTGTGTTGC[T>C]TTTTCTGTATAGGTCTCACTGGTTAGCTTAACTGCAAATGCCTTGGGTTACTCAGAACTT-3'

ClinVar aggregate classification (germline): Likely benign (1 of 4 stars; one submission).

Allele frequency attached by ClinVar (database versions not stated): gnomAD exomes below 0.00001; TOPMed below 0.00001.
gnomAD v4.1: 2 of 1,612,810 alleles (0.00012%); highest among the groups gnomAD compares: Non-Finnish European, 0.000085%; no homozygotes.

Submission:

Women's Health and Genetics/Laboratory Corporation of America, LabCorp
Classification: Likely benign. Last evaluated: 2023-11-10. Review status: criteria provided, single submitter. Criteria: LabCorp Variant Classification Summary - May 2015. Collection method: clinical testing. Allele origin: germline.
Comment: Variant summary: SCN2A c.3850-13T>C alters a conserved nucleotide located at a position not widely known to affect splicing. Consensus agreement among computation tools predict no significant impact on normal splicing. However, these predictions have yet to be confirmed by functional studies. The variant was absent in 250986 control chromosomes (gnomAD). The available data on variant occurrences in the general population are insufficient to allow any conclusion about variant significance. To our knowledge, no occurrence of c.3850-13T>C in individuals affected with Early Infantile Epileptic Encephalopathy 11 and no experimental evidence demonstrating its impact on protein function have been reported. No submitters have cited clinical-significance assessments for this variant to ClinVar after 2014. Based on the evidence outlined above, the variant was classified as likely benign.